The following is an entry in ClinVar:

NM_000264.5(PTCH1):c.4255C>T (p.Arg1419Trp)

Gene: PTCH1 (patched 1; minus strand). Cytogenetic location: 9q22.32.
Variant type: single nucleotide variant.
Coding change: c.4255C>T on transcript NM_000264.5 (MANE Select); coding-DNA position 4255, C replaced by T.
Protein change: p.Arg1419Trp; replaces arginine 1419 with tryptophan.
Molecular consequence: missense variant. On other transcripts: non-coding transcript variant (1).
Genome position (GRCh38, 1-based): chr9:95,447,001, G>A on the plus strand (C>T on the coding strand, the complement: PTCH1 is on the minus strand). VCF-style: chr9-95447001-G-A. GRCh37 (hg19) VCF-style: chr9-98209283-G-A.
Other names: c.4255C>T (NM_000264.4); c.4057C>T, p.Arg1353Trp (NM_001083602.3); c.4252C>T, p.Arg1418Trp (NM_001083603.3); c.3802C>T, p.Arg1268Trp (NM_001083604.3, NM_001083605.3, NM_001083606.3 and 1 more transcripts); c.4099C>T, p.Arg1367Trp (NM_001354918.2); short protein forms R1353W, R1419W, R1418W, R1367W, R1268W.
Identifiers: ClinVar variation 573888 (VCV000573888.29), dbSNP rs139942632, ClinGen allele CA5137912.
Genomic context (GRCh38, chr9:95,447,001, plus strand): 5'-CCTCGCATTCCACGTCCTGCAGCTCAATGACTTCCACCTTCGAATCCCTCCTCTCACACC[G>A]GACGTGGAAAGGCACGTGGGGGTCCTCAAACAGGCCGTGGTCAGTCTCAGGGTAGCCTGG-3'
Protein context (NP_000255.2, residues 1409-1429): FEDPHVPFHV[Arg1419Trp]CERRDSKVEV

ClinVar aggregate classification (germline): Uncertain significance. Review status: criteria provided, multiple submitters, no conflicts (2 of 4 stars). 5 submissions from 5 submitters: Uncertain significance (5). Last evaluated 2026-01-28.

Conditions:
Hereditary cancer-predisposing syndrome. Also called: Tumor predisposition; Hereditary Cancer Syndrome; Hereditary neoplastic syndrome; Neoplastic Syndromes, Hereditary. Identifiers: Orphanet 140162, MedGen C0027672, MeSH D009386, MONDO:0015356.
PTCH1-related disorder. Also called: PTCH1-related disorders; PTCH1-related condition.
Gorlin syndrome. Also called: Basal cell nevus syndrome; Nevoid Basal Cell Carcinoma Syndrome. Identifiers: Orphanet 377, MedGen C0004779, MONDO:0007187.

Allele frequency attached by ClinVar (database versions not stated): ESP Exome Variant Server 0.00008; gnomAD 0.00006; TOPMed 0.00006.

Submissions (5):

Labcorp Genetics (formerly Invitae), Labcorp
Classification: Uncertain significance for Gorlin syndrome. Last evaluated: 2026-01-28. Review status: criteria provided, single submitter. Criteria: Invitae Variant Classification Sherloc (09022015). Collection method: clinical testing. Allele origin: germline.
Comment: This sequence change replaces arginine, which is basic and polar, with tryptophan, which is neutral and slightly polar, at codon 1419 of the PTCH1 protein (p.Arg1419Trp). This variant is present in population databases (rs139942632, gnomAD 0.008%). This variant has not been reported in the literature in individuals affected with PTCH1-related conditions. ClinVar contains an entry for this variant (Variation ID: 573888). Invitae Evidence Modeling of protein sequence and biophysical properties (such as structural, functional, and spatial information, amino acid conservation, physicochemical variation, residue mobility, and thermodynamic stability) indicates that this missense variant is not expected to disrupt PTCH1 protein function with a negative predictive value of 95%. In summary, the available evidence is currently insufficient to determine the role of this variant in disease. Therefore, it has been classified as a Variant of Uncertain Significance.

Ambry Genetics
Classification: Uncertain significance for Hereditary cancer-predisposing syndrome. Last evaluated: 2025-12-08. Review status: criteria provided, single submitter. Criteria: Ambry Variant Classification Scheme 2023. Collection method: clinical testing. Allele origin: germline.
Comment: The p.R1419W variant (also known as c.4255C>T), located in coding exon 23 of the PTCH1 gene, results from a C to T substitution at nucleotide position 4255. The arginine at codon 1419 is replaced by tryptophan, an amino acid with dissimilar properties. This amino acid position is not well conserved in available vertebrate species. In addition, the in silico prediction for this alteration is inconclusive. Based on the available evidence, the clinical significance of this variant remains unclear.

PreventionGenetics, part of Exact Sciences
Classification: Uncertain significance for PTCH1-related condition. Last evaluated: 2025-11-07. Review status: criteria provided, single submitter. Criteria: ACMG Guidelines, 2015. Collection method: clinical testing. Allele origin: germline.
Comment: The PTCH1 c.4255C>T variant is predicted to result in the amino acid substitution p.Arg1419Trp. This variant has been reported in an individual with soft tissue and bone sarcoma (Table S3, Pinto et al. 2023. PubMed ID: 37353797). This variant is reported in 0.012% of alleles in individuals of African descent in gnomAD and is interpreted as a variant of uncertain significance in ClinVar (Variation ID: 573888). At this time, the clinical significance of this variant is uncertain due to the absence of conclusive functional and genetic evidence.

Quest Diagnostics Nichols Institute San Juan Capistrano
Classification: Uncertain significance. Last evaluated: 2024-10-23. Review status: criteria provided, single submitter. Criteria: Quest Diagnostics criteria. Collection method: clinical testing. Allele origin: unknown.
Comment: The PTCH1 c.4255C>T (p.Arg1419Trp) variant has been reported in the published literature in an individual with soft tissue and bone sarcoma (PMID: 37353797 (2023)). The frequency of this variant in the general population, 0.00012 (3/24948 chromosomes in African/African American subpopulation (Genome Aggregation Database)), is higher than would generally be expected for pathogenic variants in this gene. Analysis of this variant using bioinformatics tools for the prediction of the effect of amino acid changes on protein structure and function yielded predictions that this variant is benign. Based on the available information, we are unable to determine the clinical significance of this variant.

CeGaT Center for Human Genetics Tuebingen
Classification: Uncertain significance. Last evaluated: 2024-09-01. Review status: criteria provided, single submitter. Criteria: CeGaT Center For Human Genetics Tuebingen Variant Classification Criteria Version 2. Collection method: clinical testing. Allele origin: germline. Affected: yes. Observed: 1 variant allele.

Literature cited by the submitters: PubMed 37353797 (cited by Quest Diagnostics Nichols Institute San Juan Capistrano).